The following is an entry in ClinVar:

ClinVar aggregate classification (germline): Pathogenic (1 of 4 stars; one submission).

Conditions:
Ehlers-Danlos syndrome (EDS). Identifiers: Orphanet 98249, MedGen C0013720, MONDO:0020066.

Submission:

Women's Health and Genetics/Laboratory Corporation of America, LabCorp
Classification: Pathogenic for Ehlers-Danlos syndrome. Last evaluated: 2024-04-15. Review status: criteria provided, single submitter. Criteria: LabCorp Variant Classification Summary - May 2015. Collection method: clinical testing. Allele origin: germline.
Comment: Variant summary: COL5A1 c.4830_4831dupGA (p.Ile1611ArgfsX9) results in a premature termination codon, predicted to cause a truncation of the encoded protein or absence of the protein due to nonsense mediated decay, which are commonly known mechanisms for disease. The variant was absent in 251294 control chromosomes. To our knowledge, no occurrence of c.4830_4831dupGA in individuals affected with Ehlers-Danlos Syndrome and no experimental evidence demonstrating its impact on protein function have been reported. No submitters have cited clinical-significance assessments for this variant to ClinVar. Based on the evidence outlined above, the variant was classified as pathogenic.

NM_000093.5(COL5A1):c.4830_4831dup (p.Ile1611fs)

Genes: COL5A1 (collagen type V alpha 1 chain; plus strand), LOC101448202 (uncharacterized LOC101448202; minus strand). Cytogenetic location: 9q34.3.
Variant type: Microsatellite.
Coding change: c.4830_4831dup on transcript NM_000093.5 (MANE Select); coding-DNA positions 4830 to 4831, 2 bases duplicated (GA; older notation c.4830_4831dupGA).
Protein change: p.Ile1611fs; shifts the reading frame from isoleucine 1611.
Molecular consequence: frameshift variant.
Genome position (GRCh38, 1-based): chr9:134,824,731-134,824,732, GA duplicated; duplicating any 2 consecutive bases within chr9:134,824,728-134,824,732 gives the same sequence; the c. name uses the placement nearest the transcript's 3' end. VCF-style (leftmost placement, unchanged base first): chr9-134824727-A-AAG. GRCh37 (hg19) VCF-style: chr9-137716573-A-AAG.
Other names: c.4830_4831dup, p.Ile1611fs (NM_001278074.1); c.4830_4831dupGA (NM_000093.5); short protein forms I1611fs.
Identifiers: ClinVar variation 3251286 (VCV003251286.1), dbSNP rs2490880778.